The following is an entry in ClinVar:

ClinVar aggregate classification (germline): Uncertain significance. Review status: criteria provided, multiple submitters, no conflicts (2 of 4 stars). 2 submissions from 2 submitters: Uncertain significance (2). Last evaluated 2025-12-15.

Conditions:
Arthrogryposis, cleft palate, craniosynostosis, and impaired intellectual development. Identifiers: Orphanet 565858, MedGen C4748872, MONDO:0032642, OMIM 618265.
Developmental and epileptic encephalopathy 91. Also called: EPILEPTIC ENCEPHALOPATHY, INFANTILE OR EARLY CHILDHOOD, 1. Identifiers: MedGen C4540199, MONDO:0020630, OMIM 617711.

Allele frequency attached by ClinVar (database versions not stated): ExAC 0.00002; gnomAD exomes 0.00002 and 0.00004; TOPMed 0.00002; gnomAD 0.00003; ESP Exome Variant Server 0.00008.

Submissions (2):

Labcorp Genetics (formerly Invitae), Labcorp
Classification: Uncertain significance. Last evaluated: 2025-12-15. Review status: criteria provided, single submitter. Criteria: Invitae Variant Classification Sherloc (09022015). Collection method: clinical testing. Allele origin: germline.
Comment: This sequence change replaces methionine, which is neutral and non-polar, with valine, which is neutral and non-polar, at codon 179 of the PPP3CA protein (p.Met179Val). This variant is present in population databases (rs138929276, gnomAD 0.004%). This variant has not been reported in the literature in individuals affected with PPP3CA-related conditions. ClinVar contains an entry for this variant (Variation ID: 1345513). Invitae Evidence Modeling of protein sequence and biophysical properties (such as structural, functional, and spatial information, amino acid conservation, physicochemical variation, residue mobility, and thermodynamic stability) indicates that this missense variant is not expected to disrupt PPP3CA protein function with a negative predictive value of 80%. In summary, the available evidence is currently insufficient to determine the role of this variant in disease. Therefore, it has been classified as a Variant of Uncertain Significance.

Fulgent Genetics
Classification: Uncertain significance for Developmental and epileptic encephalopathy 91; Arthrogryposis, cleft palate, craniosynostosis, and impaired intellectual development. Last evaluated: 2024-01-31. Review status: criteria provided, single submitter. Criteria: ACMG Guidelines, 2015. Collection method: clinical testing. Allele origin: germline.

NM_000944.5(PPP3CA):c.535A>G (p.Met179Val)

Gene: PPP3CA (protein phosphatase 3 catalytic subunit alpha; minus strand). Cytogenetic location: 4q24.
Variant type: single nucleotide variant.
Coding change: c.535A>G on transcript NM_000944.5 (MANE Select); coding-DNA position 535, A replaced by G.
Protein change: p.Met179Val; replaces methionine 179 with valine.
Molecular consequence: missense variant.
Genome position (GRCh38, 1-based): chr4:101,098,474, T>C on the plus strand (A>G on the coding strand, the complement: PPP3CA is on the minus strand). VCF-style: chr4-101098474-T-C. GRCh37 (hg19) VCF-style: chr4-102019631-T-C.
Other names: c.535A>G, p.Met179Val (NM_001130691.2, NM_001130692.2); short protein forms M179V.
Identifiers: ClinVar variation 1345513 (VCV001345513.7), dbSNP rs138929276, ClinGen allele CA3024463.